The following is an entry in ClinVar:

NM_206933.4(USH2A):c.4821G>A (p.Trp1607Ter)

Gene: USH2A (usherin; minus strand). Cytogenetic location: 1q41.
Variant type: single nucleotide variant.
Coding change: c.4821G>A on transcript NM_206933.4 (MANE Select); coding-DNA position 4821, G replaced by A.
Protein change: p.Trp1607Ter; replaces tryptophan 1607 with a stop codon.
Molecular consequence: nonsense.
Genome position (GRCh38, 1-based): chr1:216,089,077, C>T on the plus strand (G>A on the coding strand, the complement: USH2A is on the minus strand). VCF-style: chr1-216089077-C-T. GRCh37 (hg19) VCF-style: chr1-216262419-C-T.
Other names: short protein forms W1607*.
Identifiers: ClinVar variation 556041 (VCV000556041.38), dbSNP rs745350407, ClinGen allele CA1395609.

ClinVar aggregate classification (germline): Pathogenic/Likely pathogenic. Review status: criteria provided, multiple submitters, no conflicts (2 of 4 stars). 9 submissions from 8 submitters: Pathogenic (6); Likely pathogenic (2). 1 of the submissions does not count toward it. Last evaluated 2024-07-17.

Conditions:
Usher syndrome. Also called: Usher Syndromes; Usher's syndrome. Identifiers: Orphanet 886, MedGen CN469326, MeSH D052245, MONDO:0019501. Disease mechanism: loss of function.
USH2A-related disorder. Also called: USH2A-related disorders; USH2A-related condition. Identifiers: MedGen CN239332.
Usher syndrome type 2A. Also called: RETINAL DISEASE IN USHER SYNDROME TYPE IIA, MODIFIER OF; USHER SYNDROME, TYPE IIA. Identifiers: Orphanet 231178, Orphanet 886, MedGen C1848634, MONDO:0010169, OMIM 276901.
Retinitis pigmentosa 39 (RP39). Identifiers: Orphanet 791, MedGen C3151138, MONDO:0013436, OMIM 613809.

Allele frequency attached by ClinVar (database versions not stated): gnomAD exomes 0.00001; ExAC 0.00002.
gnomAD v4.1: 8 of 1,613,430 alleles (0.0005%); highest among the groups gnomAD compares: South Asian, 0.0011%; no homozygotes.

Submissions (9):

Natera, Inc.
Classification: Pathogenic for Usher syndrome type 2A. Last evaluated: 2024-07-17. Review status: criteria provided, single submitter. Criteria: Natera Variant Classification Schema (03/2026). Collection method: clinical testing. Allele origin: germline.
Comment: The c.4821G>A variant in USH2A is a nonsense variant predicted to introduce a stop codon at amino acid 1607. This variant is expected to result in nonsense mediated decay, truncation, or a dysfunctional protein product. This variant is rare in the general population with a frequency below the threshold expected for the associated phenotype(s). This variant has been observed in one or more individuals affected with the associated recessive disease, as either homozygous or compound heterozygous with a second variant (PMID: 22135276). Given the available evidence, this variant is classified as Pathogenic.

Fulgent Genetics
Classification: Pathogenic for Usher syndrome type 2A; Retinitis pigmentosa 39. Last evaluated: 2024-05-03. Review status: criteria provided, single submitter. Criteria: ACMG Guidelines, 2015. Collection method: clinical testing. Allele origin: germline.

Labcorp Genetics (formerly Invitae), Labcorp
Classification: Pathogenic. Last evaluated: 2024-01-16. Review status: criteria provided, single submitter. Criteria: Invitae Variant Classification Sherloc (09022015). Collection method: clinical testing. Allele origin: germline.
Comment: This sequence change creates a premature translational stop signal (p.Trp1607*) in the USH2A gene. It is expected to result in an absent or disrupted protein product. Loss-of-function variants in USH2A are known to be pathogenic (PMID: 10729113, 10909849, 20507924, 25649381). This variant is present in population databases (rs745350407, gnomAD 0.003%). This premature translational stop signal has been observed in individual(s) with Usher syndrome (PMID: 22135276). ClinVar contains an entry for this variant (Variation ID: 556041). For these reasons, this variant has been classified as Pathogenic.

Genome-Nilou Lab
Classification: Likely pathogenic for Retinitis pigmentosa 39. Last evaluated: 2023-11-04. Review status: criteria provided, single submitter. Criteria: ACMG Guidelines, 2015. Collection method: clinical testing. Allele origin: germline. Affected: no.

Genome-Nilou Lab
Classification: Likely pathogenic for Usher syndrome type 2A. Last evaluated: 2023-11-04. Review status: criteria provided, single submitter. Criteria: ACMG Guidelines, 2015. Collection method: clinical testing. Allele origin: germline. Affected: no.

Baylor Genetics
Classification: Pathogenic for Retinitis pigmentosa 39. Last evaluated: 2023-03-04. Review status: criteria provided, single submitter. Criteria: ACMG Guidelines, 2015. Collection method: clinical testing. Allele origin: unknown.

SN ONGC Dept of Genetics and Molecular biology Vision Research Foundation
Classification: Pathogenic for Usher syndrome. Last evaluated: 2022-12-31. Review status: criteria provided, single submitter. Criteria: ACMG Guidelines, 2015. Collection method: research. Allele origin: unknown. Affected: yes. Observed: 1 variant allele, 1 compound heterozygote.

Blueprint Genetics
Classification: Pathogenic for USH2A-related disorders. Last evaluated: 2022-08-19. Review status: criteria provided, single submitter. Criteria: ACMG Guidelines, 2015. Collection method: clinical testing. Allele origin: germline. Affected: yes. Observed: 2 variant alleles.

Counsyl
Classification: Likely pathogenic for Usher syndrome type 2A; Retinitis pigmentosa 39. Last evaluated: 2018-01-10. Review status: no assertion criteria provided. Collection method: clinical testing. Allele origin: unknown. Not counted in ClinVar's aggregate classification.

Literature cited by the submitters: PubMed 22135276 (cited by 3 submitters); PubMed 10729113 (cited by Labcorp Genetics (formerly Invitae), Labcorp); PubMed 10909849 (cited by Labcorp Genetics (formerly Invitae), Labcorp); PubMed 20507924 (cited by Labcorp Genetics (formerly Invitae), Labcorp); PubMed 25649381 (cited by Labcorp Genetics (formerly Invitae), Labcorp).